The following is an entry in ClinVar:

ClinVar aggregate classification (germline): Uncertain significance. Review status: criteria provided, multiple submitters, no conflicts (2 of 4 stars). 2 submissions from 2 submitters: Uncertain significance (2). Last evaluated 2025-02-06.

gnomAD v4.1: 9 of 1,613,854 alleles (0.00056%); highest among the groups gnomAD compares: Non-Finnish European, 0.00076%; no homozygotes.

Submissions (2):

ARUP Laboratories, Molecular Genetics and Genomics, ARUP Laboratories
Classification: Uncertain significance. Last evaluated: 2025-02-06. Review status: criteria provided, single submitter. Criteria: ARUP Molecular Germline Variant Investigation Process 2024. Collection method: clinical testing. Allele origin: germline.

Labcorp Genetics (formerly Invitae), Labcorp
Classification: Uncertain significance. Last evaluated: 2024-12-22. Review status: criteria provided, single submitter. Criteria: Invitae Variant Classification Sherloc (09022015). Collection method: clinical testing. Allele origin: germline.
Comment: This sequence change replaces glycine, which is neutral and non-polar, with valine, which is neutral and non-polar, at codon 323 of the KCNH1 protein (p.Gly323Val). This variant is present in population databases (rs771027605, gnomAD 0.002%). This variant has not been reported in the literature in individuals affected with KCNH1-related conditions. Invitae Evidence Modeling of protein sequence and biophysical properties (such as structural, functional, and spatial information, amino acid conservation, physicochemical variation, residue mobility, and thermodynamic stability) has been performed for this missense variant. However, the output from this modeling did not meet the statistical confidence thresholds required to predict the impact of this variant on KCNH1 protein function. In summary, the available evidence is currently insufficient to determine the role of this variant in disease. Therefore, it has been classified as a Variant of Uncertain Significance.

NM_172362.3(KCNH1):c.968G>T (p.Gly323Val)

Gene: KCNH1 (potassium voltage-gated channel subfamily H member 1; minus strand). Cytogenetic location: 1q32.2.
Variant type: single nucleotide variant.
Coding change: c.968G>T on transcript NM_172362.3 (MANE Select); coding-DNA position 968, G replaced by T.
Protein change: p.Gly323Val; replaces glycine 323 with valine.
Molecular consequence: missense variant. On other transcripts: intron variant (1).
Genome position (GRCh38, 1-based): chr1:211,018,847, C>A on the plus strand (G>T on the coding strand, the complement: KCNH1 is on the minus strand). VCF-style: chr1-211018847-C-A. GRCh37 (hg19) VCF-style: chr1-211192189-C-A.
Other names: c.951+17G>T (NM_002238.4); short protein forms G323V.
Identifiers: ClinVar variation 3685930 (VCV003685930.3).
Genomic context (GRCh38, chr1:211,018,847, plus strand): 5'-CTCTCTCTCCCCTCCAGTGGTGGTGGAATCTGATCAGCAAAACCAATCTTCCCTGGATCA[C>A]CCATAAAGGCACTAACCTCATCCACGTTCTCAAAAGCGTTGATGACATCATATGGCAAAC-3'
Protein context (NP_758872.1, residues 313-333): ENVDEVSAFM[Gly323Val]DPGKIGFADQ